The following is an entry in ClinVar:

ClinVar aggregate classification (germline): Likely benign (0 of 4 stars; one submission).

Conditions:
LIPG-related disorder. Also called: LIPG-related condition.

Allele frequency attached by ClinVar (database versions not stated): TOPMed below 0.00001; gnomAD 0.00001.
gnomAD v4.1: 9 of 1,611,924 alleles (0.00056%); highest among the groups gnomAD compares: Non-Finnish European, 0.00076%; no homozygotes.

Submission:

PreventionGenetics, part of Exact Sciences
Classification: Likely benign for LIPG-related condition. Last evaluated: 2019-11-25. Review status: no assertion criteria provided. Collection method: clinical testing. Allele origin: germline.
Comment: This variant is classified as likely benign based on ACMG/AMP sequence variant interpretation guidelines (Richards et al. 2015 PMID: 25741868, with internal and published modifications).

NM_006033.4(LIPG):c.572-4G>T

Gene: LIPG (lipase G, endothelial type; plus strand). Cytogenetic location: 18q21.1.
Variant type: single nucleotide variant.
Coding change: c.572-4G>T on transcript NM_006033.4 (MANE Select); 4 bases into the intron before coding-DNA position 572, G replaced by T.
Molecular consequence: intron variant.
Genome position (GRCh38, 1-based): chr18:49,575,365, G>T. VCF-style: chr18-49575365-G-T. GRCh37 (hg19) VCF-style: chr18-47101735-G-T.
Other names: c.571+5817G>T (NM_001308006.2).
Identifiers: ClinVar variation 3048960 (VCV003048960.2), dbSNP rs1369205373, ClinGen allele CA629925351.